The following is an entry in ClinVar:

ClinVar aggregate classification (germline): Uncertain significance (1 of 4 stars; one submission).

Submission:

CeGaT Center for Human Genetics Tuebingen
Classification: Uncertain significance. Last evaluated: 2026-08-01. Review status: criteria provided, single submitter. Criteria: CeGaT Center For Human Genetics Tuebingen Variant Classification Criteria Version 2. Collection method: clinical testing. Allele origin: germline. Affected: yes. Observed: 1 variant allele.
Comment: AIFM1: PM2

NM_004208.4(AIFM1):c.1187C>T (p.Ala396Val)

Genes: AIFM1 (apoptosis inducing factor mitochondria associated 1; minus strand), RAB33A (RAB33A, member RAS oncogene family; plus strand). Cytogenetic location: Xq26.1.
Variant type: single nucleotide variant.
Coding change: c.1187C>T on transcript NM_004208.4 (MANE Select); coding-DNA position 1187, C replaced by T.
Protein change: p.Ala396Val; replaces alanine 396 with valine.
Molecular consequence: missense variant. On other transcripts: 3 prime UTR variant (1), non-coding transcript variant (1).
Genome position (GRCh38, 1-based): chrX:130,136,163, G>A on the plus strand (C>T on the coding strand, the complement: AIFM1 is on the minus strand). VCF-style: chrX-130136163-G-A. GRCh37 (hg19) VCF-style: chrX-129270138-G-A.
Other names: c.170C>T, p.Ala57Val (NM_001130846.4); c.*415C>T (NM_001130847.4); c.1175C>T, p.Ala392Val (NM_145812.3); short protein forms A392V, A396V, A57V.
Identifiers: ClinVar variation 5040630 (VCV005040630.1).